The following is an entry in ClinVar:

NM_001844.5(COL2A1):c.2381dup (p.Gly795fs)

Gene: COL2A1 (collagen type II alpha 1 chain; minus strand). Cytogenetic location: 12q13.11.
Variant type: Duplication.
Coding change: c.2381dup on transcript NM_001844.5 (MANE Select); coding-DNA position 2381, one base duplicated (C; older notation c.2381dupC).
Protein change: p.Gly795fs; shifts the reading frame from glycine 795.
Molecular consequence: frameshift variant.
Genome position (GRCh38, 1-based): chr12:47,981,804, G duplicated on the plus strand (C on the coding strand, the reverse complement: COL2A1 is on the minus strand); the first of 6 consecutive G bases (chr12:47,981,804-47,981,809); duplicating any one gives the same sequence. VCF-style (leftmost placement, unchanged base first): chr12-47981803-A-AG. GRCh37 (hg19) VCF-style: chr12-48375586-A-AG.
Other names: c.2174dup, p.Gly726fs (NM_033150.3); c.2381dupC (NM_001844.4); c.2381dup (NM_001844.4); short protein forms G726fs, G795fs.
Identifiers: ClinVar variation 1076267 (VCV001076267.12), dbSNP rs1555166218, ClinGen allele CA604849904.

ClinVar aggregate classification (germline): Pathogenic/Likely pathogenic. Review status: criteria provided, multiple submitters, no conflicts (2 of 4 stars). 5 submissions from 5 submitters: Pathogenic (4); Likely pathogenic (1). Last evaluated 2026-10-21.

Conditions:
COL2A1-related disorder. Also called: COL2A1-related condition; COL2A1-related disorders.
Stickler syndrome type 1 (STL1). Also called: ARTHROOPHTHALMOPATHY, HEREDITARY PROGRESSIVE; STICKLER SYNDROME, MEMBRANOUS VITREOUS TYPE; STICKLER SYNDROME, VITREOUS TYPE 1; COL2A1-Related Stickler Syndrome. Identifiers: Orphanet 828, Orphanet 90653, MedGen C2020284, MONDO:0007160, OMIM 108300.

Submissions (5):

GeneDx
Classification: Likely pathogenic. Last evaluated: 2026-10-21. Review status: criteria provided, single submitter. Criteria: GeneDx Variant Classification Process June 2021. Collection method: clinical testing. Allele origin: germline.
Comment: Frameshift variant predicted to result in protein truncation or nonsense mediated decay in a gene for which loss of function is a known mechanism of disease; This variant is associated with the following publications: (PMID: 16752401, 20179744, 38702915)

Labcorp Genetics (formerly Invitae), Labcorp
Classification: Pathogenic. Last evaluated: 2025-11-03. Review status: criteria provided, single submitter. Criteria: Invitae Variant Classification Sherloc (09022015). Collection method: clinical testing. Allele origin: germline.
Comment: This sequence change creates a premature translational stop signal (p.Gly795Trpfs*6) in the COL2A1 gene. It is expected to result in an absent or disrupted protein product. Loss-of-function variants in COL2A1 are known to be pathogenic (PMID: 20179744). The frequency data for this variant in the population databases is considered unreliable, as metrics indicate poor data quality at this position in the gnomAD database. This premature translational stop signal has been observed in individuals with Stickler syndrome (PMID: 16752401, 20179744). ClinVar contains an entry for this variant (Variation ID: 1076267). For these reasons, this variant has been classified as Pathogenic.

3billion
Classification: Pathogenic for Stickler syndrome type 1. Last evaluated: 2025-07-14. Review status: criteria provided, single submitter. Criteria: ACMG Guidelines, 2015. Collection method: clinical testing. Allele origin: germline. Affected: yes.
Comment: The variant is observed at an extremely low frequency in the gnomAD v4.1.0 dataset (total allele frequency: <0.001%). Predicted Consequence/Location: Frameshift: predicted to result in a loss or disruption of normal protein function through nonsense-mediated decay (NMD) or protein truncation. Multiple pathogenic variants are reported downstream of the variant. The variant has been reported at least twice as pathogenic with clinical assertions and evidence for the classification (ClinVar ID: VCV001076267 /PMID: 16752401). Therefore, this variant is classified as Pathogenic according to the recommendation of ACMG/AMP guideline.

PreventionGenetics, part of Exact Sciences
Classification: Pathogenic for COL2A1-related condition. Last evaluated: 2025-07-03. Review status: criteria provided, single submitter. Criteria: ACMG Guidelines, 2015. Collection method: clinical testing. Allele origin: germline.
Comment: The COL2A1 c.2381dupC variant is predicted to result in a frameshift and premature protein termination (p.Gly795Trpfs*6). This variant has been reported to be pathogenic for Stickler syndrome or COL2A1-related condition (example: Richards et al 2006. PubMed ID: 16752401; Hoornaert et al 2010. PubMed ID: 20179744; Table S5, MacCarrick et al . 2024. PubMed ID: 38702915). This variant is reported in 0.0016% of alleles in individuals of European (Non-Finnish) descent in gnomAD. Frameshift variants in COL2A1 are expected to be pathogenic. This variant is interpreted as pathogenic.

Blueprint Genetics
Classification: Pathogenic for COL2A1-related disorders. Last evaluated: 2024-06-21. Review status: criteria provided, single submitter. Criteria: ACMG Guidelines, 2015. Collection method: clinical testing. Allele origin: germline. Affected: yes. Observed: 3 variant alleles.

Literature cited by the submitters: PubMed 20179744 (cited by Labcorp Genetics (formerly Invitae), Labcorp); PubMed 16752401 (cited by Labcorp Genetics (formerly Invitae), Labcorp and 3billion).